The following is an entry in ClinVar:

NM_021072.4(HCN1):c.1109C>T (p.Ser370Phe)

Gene: HCN1 (hyperpolarization activated cyclic nucleotide gated potassium channel 1; minus strand). Cytogenetic location: 5p12.
Variant type: single nucleotide variant.
Coding change: c.1109C>T on transcript NM_021072.4 (MANE Select); coding-DNA position 1109, C replaced by T.
Protein change: p.Ser370Phe; replaces serine 370 with phenylalanine.
Molecular consequence: missense variant.
Genome position (GRCh38, 1-based): chr5:45,396,613, G>A on the plus strand (C>T on the coding strand, the complement: HCN1 is on the minus strand). VCF-style: chr5-45396613-G-A. GRCh37 (hg19) VCF-style: chr5-45396715-G-A.
Other names: short protein forms S370F.
Identifiers: ClinVar variation 1359557 (VCV001359557.9), dbSNP rs2112040755, ClinGen allele CA359705407.

ClinVar aggregate classification (germline): Uncertain significance (1 of 4 stars; one submission).

Conditions:
Early-infantile DEE. Also called: Early infantile epileptic encephalopathy with suppression bursts; Ohtahara syndrome; Early infantile epileptic encephalopathy. Identifiers: Orphanet 1934, MedGen C0393706, MONDO:0800491.

Submission:

Labcorp Genetics (formerly Invitae), Labcorp
Classification: Uncertain significance for Early-infantile DEE. Last evaluated: 2022-08-09. Review status: criteria provided, single submitter. Criteria: Invitae Variant Classification Sherloc (09022015). Collection method: clinical testing. Allele origin: germline.
Comment: In summary, the available evidence is currently insufficient to determine the role of this variant in disease. Therefore, it has been classified as a Variant of Uncertain Significance. Advanced modeling of protein sequence and biophysical properties (such as structural, functional, and spatial information, amino acid conservation, physicochemical variation, residue mobility, and thermodynamic stability) performed at Invitae indicates that this missense variant is expected to disrupt HCN1 protein function. ClinVar contains an entry for this variant (Variation ID: 1359557). This variant has not been reported in the literature in individuals affected with HCN1-related conditions. This variant is not present in population databases (gnomAD no frequency). This sequence change replaces serine, which is neutral and polar, with phenylalanine, which is neutral and non-polar, at codon 370 of the HCN1 protein (p.Ser370Phe).